The following is an entry in ClinVar:

NM_000506.5(F2):c.174A>G (p.Arg58=)

Gene: F2 (coagulation factor II, thrombin; plus strand). Cytogenetic location: 11p11.2.
Variant type: single nucleotide variant.
Coding change: c.174A>G on transcript NM_000506.5 (MANE Select); coding-DNA position 174, A replaced by G.
Protein change: p.Arg58=; no amino-acid change (arginine 58 retained).
Molecular consequence: synonymous variant.
Genome position (GRCh38, 1-based): chr11:46,719,796, A>G. VCF-style: chr11-46719796-A-G. GRCh37 (hg19) VCF-style: chr11-46741346-A-G.
Identifiers: ClinVar variation 2888253 (VCV002888253.9), dbSNP rs905074363, ClinGen allele CA221647218.

ClinVar aggregate classification (germline): Likely benign. Review status: criteria provided, multiple submitters, no conflicts (2 of 4 stars). 2 submissions from 2 submitters: Likely benign (2). Last evaluated 2025-11-01.

Conditions:
Congenital prothrombin deficiency. Also called: HYPOPROTHROMBINEMIA; Factor II deficiency; Inherited hypoprothrombinemia; Congenital factor II deficiency; Inherited prothrombin deficiency; Hereditary factor II deficiency disease. Identifiers: Orphanet 325, MedGen C0272317, MONDO:0013361, OMIM 613679.

Allele frequency attached by ClinVar (database versions not stated): TOPMed 0.00002; gnomAD exomes 0.00004; gnomAD 0.00005.
gnomAD v4.1: 65 of 1,595,798 alleles (0.0041%); highest among the groups gnomAD compares: Non-Finnish European, 0.0053%; no homozygotes.

Submissions (2):

CeGaT Center for Human Genetics Tuebingen
Classification: Likely benign. Last evaluated: 2025-11-01. Review status: criteria provided, single submitter. Criteria: CeGaT Center For Human Genetics Tuebingen Variant Classification Criteria Version 2. Collection method: clinical testing. Allele origin: germline. Affected: yes. Observed: 1 variant allele.
Comment: F2: BP4, BP7

Labcorp Genetics (formerly Invitae), Labcorp
Classification: Likely benign for Congenital prothrombin deficiency. Last evaluated: 2024-07-19. Review status: criteria provided, single submitter. Criteria: Invitae Variant Classification Sherloc (09022015). Collection method: clinical testing. Allele origin: germline.